The following is an entry in ClinVar:

NM_001160148.2(DDHD1):c.100T>G (p.Phe34Val)

Gene: DDHD1 (DDHD domain containing 1; minus strand). Cytogenetic location: 14q22.1.
Variant type: single nucleotide variant.
Coding change: c.100T>G on transcript NM_001160148.2 (MANE Select); coding-DNA position 100, T replaced by G.
Protein change: p.Phe34Val; replaces phenylalanine 34 with valine.
Molecular consequence: missense variant.
Genome position (GRCh38, 1-based): chr14:53,152,999, A>C on the plus strand (T>G on the coding strand, the complement: DDHD1 is on the minus strand). VCF-style: chr14-53152999-A-C. GRCh37 (hg19) VCF-style: chr14-53619717-A-C.
Other names: p.Phe34Val; c.100T>G, p.Phe34Val (NM_001160147.2, NM_030637.3); short protein forms F34V.
Identifiers: ClinVar variation 849874 (VCV000849874.7), dbSNP rs771285016, ClinGen allele CA7191592.

ClinVar aggregate classification (germline): Uncertain significance. Review status: criteria provided, multiple submitters, no conflicts (2 of 4 stars). 2 submissions from 2 submitters: Uncertain significance (2). Last evaluated 2023-12-11.

Conditions:
Hereditary spastic paraplegia 28. Also called: Spastic paraplegia 28, autosomal recessive. Identifiers: Orphanet 101008, MedGen C1836295, MONDO:0012256, OMIM 609340.

Allele frequency attached by ClinVar (database versions not stated): TOPMed 0.00012; 1000 Genomes Project 30x 0.00016; gnomAD 0.00027 and 0.00028; gnomAD exomes 0.00038 and 0.00049; ExAC 0.00086.
gnomAD v4.1: 584 of 1,541,430 alleles (0.038%); highest among the groups gnomAD compares: Non-Finnish European, 0.035%; no homozygotes.

Submissions (2):

Labcorp Genetics (formerly Invitae), Labcorp
Classification: Uncertain significance for Hereditary spastic paraplegia 28. Last evaluated: 2023-12-11. Review status: criteria provided, single submitter. Criteria: Invitae Variant Classification Sherloc (09022015). Collection method: clinical testing. Allele origin: germline.
Comment: This sequence change replaces phenylalanine, which is neutral and non-polar, with valine, which is neutral and non-polar, at codon 34 of the DDHD1 protein (p.Phe34Val). This variant is present in population databases (rs771285016, gnomAD 0.2%), and has an allele count higher than expected for a pathogenic variant. This variant has not been reported in the literature in individuals affected with DDHD1-related conditions. ClinVar contains an entry for this variant (Variation ID: 849874). An algorithm developed to predict the effect of missense changes on protein structure and function (PolyPhen-2) suggests that this variant¬†is likely to be tolerated. In summary, the available evidence is currently insufficient to determine the role of this variant in disease. Therefore, it has been classified as a Variant of Uncertain Significance.

Mayo Clinic Laboratories, Mayo Clinic
Classification: Uncertain significance. Last evaluated: 2022-03-09. Review status: criteria provided, single submitter. Criteria: ACMG Guidelines, 2015. Collection method: clinical testing. Allele origin: germline. Observed: 1 variant allele.
Comment: BP4